The following is an entry in ClinVar:

ClinVar aggregate classification (germline): Uncertain significance (1 of 4 stars; one submission).

Submission:

Ambry Genetics
Classification: Uncertain significance. Last evaluated: 2025-11-20. Review status: criteria provided, single submitter. Criteria: Ambry Variant Classification Scheme 2023. Collection method: clinical testing. Allele origin: germline.
Comment: The p.P1278L variant (also known as c.3833C>T), located in coding exon 14 of the CDK12 gene, results from a C to T substitution at nucleotide position 3833. The proline at codon 1278 is replaced by leucine, an amino acid with similar properties. This amino acid position is conserved. In addition, this alteration is predicted to be tolerated by in silico analysis. Based on the available evidence, the clinical significance of this variant remains unclear.

NM_016507.4(CDK12):c.3833C>T (p.Pro1278Leu)

Gene: CDK12 (cyclin dependent kinase 12; plus strand). Cytogenetic location: 17q12.
Variant type: single nucleotide variant.
Coding change: c.3833C>T on transcript NM_016507.4 (MANE Select); coding-DNA position 3833, C replaced by T.
Protein change: p.Pro1278Leu; replaces proline 1278 with leucine.
Molecular consequence: missense variant.
Genome position (GRCh38, 1-based): chr17:39,530,676, C>T. VCF-style: chr17-39530676-C-T. GRCh37 (hg19) VCF-style: chr17-37686929-C-T.
Other names: c.3806C>T, p.Pro1269Leu (NM_015083.4); short protein forms P1269L, P1278L.
Identifiers: ClinVar variation 4651453 (VCV004651453.1).